The following is an entry in ClinVar:

NM_001846.4(COL4A2):c.-133A>G

Genes: COL4A1 (collagen type IV alpha 1 chain; minus strand), COL4A2 (collagen type IV alpha 2 chain; plus strand). Cytogenetic location: 13q34.
Variant type: single nucleotide variant.
Coding change: c.-133A>G on transcript NM_001846.4 (MANE Select); 133 bases upstream of the start codon, A replaced by G.
Molecular consequence: 5 prime UTR variant.
Genome position (GRCh38, 1-based): chr13:110,307,440, A>G. VCF-style: chr13-110307440-A-G. GRCh37 (hg19) VCF-style: chr13-110959787-A-G.
Identifiers: ClinVar variation 311093 (VCV000311093.10), dbSNP rs35466678, ClinGen allele CA10643754.
Genomic context (GRCh38, chr13:110,307,440, plus strand): 5'-CAGGCCGAGGACCGAAAGGGGCCGCCCGAGCCCCCGGGGCCGGCGCCCAGAGAGCCCAGC[A>G]AGGCCGGCCGCCCTGCCGGTGTGCCGCCGGCGGGTGCTTCTGGAAGGGCCAATGCGTTCG-3'

ClinVar aggregate classification (germline): Benign. Review status: criteria provided, multiple submitters, no conflicts (2 of 4 stars). 3 submissions from 3 submitters: Benign (3). Last evaluated 2021-06-21.

Conditions:
Brain small vessel disease 2A, autosomal dominant. Also called: Porencephaly 2. Identifiers: Orphanet 2940, Orphanet 99810, MedGen C3280970, MONDO:0013773, OMIM 614483.

Allele frequency attached by ClinVar (database versions not stated): gnomAD 0.15263 and 0.15715; gnomAD exomes 0.15509; TOPMed 0.16479; 1000 Genomes Project 0.18431; 1000 Genomes Project 30x 0.18801.
gnomAD v4.1: 31,365 of 200,010 alleles (16%); highest among the groups gnomAD compares: East Asian, 28%; 2,717 homozygotes.

Submissions (3):

GeneDx
Classification: Benign. Last evaluated: 2021-06-21. Review status: criteria provided, single submitter. Criteria: GeneDx Variant Classification Process June 2021. Collection method: clinical testing. Allele origin: germline. Affected: yes.

Illumina Laboratory Services, Illumina
Classification: Benign for Brain small vessel disease 2A, autosomal dominant. Last evaluated: 2018-01-12. Review status: criteria provided, single submitter. Criteria: ICSL Variant Classification Criteria 13 December 2019. Collection method: clinical testing. Allele origin: germline.
Comment: This variant was observed in the ICSL laboratory as part of a predisposition screen in an ostensibly healthy population. It had not been previously curated by ICSL or reported in the Human Gene Mutation Database (HGMD: prior to June 1st, 2018), and was therefore a candidate for classification through an automated scoring system. Utilizing variant allele frequency, disease prevalence and penetrance estimates, and inheritance mode, an automated score was calculated to assess if this variant is too frequent to cause the disease. Based on the score and internal cut-off values, a variant classified as benign is not then subjected to further curation. The score for this variant resulted in a classification of benign for this disease.

Breakthrough Genomics
Classification: Benign. Review status: criteria provided, single submitter. Criteria: ACMG Guidelines, 2015. Collection method: not provided. Allele origin: germline. Inheritance: Autosomal dominant inheritance. Affected: yes.